The following is an entry in ClinVar:

NM_022047.4(DEF6):c.1562G>A (p.Arg521Lys)

Gene: DEF6 (DEF6 guanine nucleotide exchange factor; plus strand). Cytogenetic location: 6p21.31.
Variant type: single nucleotide variant.
Coding change: c.1562G>A on transcript NM_022047.4 (MANE Select); coding-DNA position 1562, G replaced by A.
Protein change: p.Arg521Lys; replaces arginine 521 with lysine.
Molecular consequence: missense variant.
Genome position (GRCh38, 1-based): chr6:35,319,998, G>A. VCF-style: chr6-35319998-G-A. GRCh37 (hg19) VCF-style: chr6-35287775-G-A.
Other names: c.1562G>A (NM_022047.3); short protein forms R521K.
Identifiers: ClinVar variation 2166196 (VCV002166196.4), dbSNP rs771895537, ClinGen allele CA3770945.

ClinVar aggregate classification (germline): Uncertain significance. Review status: criteria provided, multiple submitters, no conflicts (2 of 4 stars). 2 submissions from 2 submitters: Uncertain significance (2). Last evaluated 2025-07-12.

Allele frequency attached by ClinVar (database versions not stated): ExAC 0.00004; gnomAD 0.00007; TOPMed 0.00011.
gnomAD v4.1: 14 of 1,562,034 alleles (0.0009%); highest among the groups gnomAD compares: African/African-American, 0.018%; no homozygotes.

Submissions (2):

Ambry Genetics
Classification: Uncertain significance. Last evaluated: 2025-07-12. Review status: criteria provided, single submitter. Criteria: Ambry Variant Classification Scheme 2023. Collection method: clinical testing. Allele origin: germline.

Labcorp Genetics (formerly Invitae), Labcorp
Classification: Uncertain significance. Last evaluated: 2025-01-30. Review status: criteria provided, single submitter. Criteria: Invitae Variant Classification Sherloc (09022015). Collection method: clinical testing. Allele origin: germline.
Comment: This sequence change replaces arginine, which is basic and polar, with lysine, which is basic and polar, at codon 521 of the DEF6 protein (p.Arg521Lys). The frequency data for this variant in the population databases is considered unreliable, as metrics indicate poor data quality at this position in the gnomAD database. This variant has not been reported in the literature in individuals affected with DEF6-related conditions. ClinVar contains an entry for this variant (Variation ID: 2166196). An algorithm developed to predict the effect of missense changes on protein structure and function (PolyPhen-2) suggests that this variant¬†is likely to be tolerated. In summary, the available evidence is currently insufficient to determine the role of this variant in disease. Therefore, it has been classified as a Variant of Uncertain Significance.